The following is an entry in ClinVar:

NM_004656.4(BAP1):c.934G>C (p.Gly312Arg)

Gene: BAP1 (BRCA1 associated deubiquitinase 1; minus strand). Cytogenetic location: 3p21.1.
Variant type: single nucleotide variant.
Coding change: c.934G>C on transcript NM_004656.4 (MANE Select); coding-DNA position 934, G replaced by C.
Protein change: p.Gly312Arg; replaces glycine 312 with arginine.
Molecular consequence: missense variant.
Genome position (GRCh38, 1-based): chr3:52,405,292, C>G on the plus strand (G>C on the coding strand, the complement: BAP1 is on the minus strand). VCF-style: chr3-52405292-C-G. GRCh37 (hg19) VCF-style: chr3-52439308-C-G.
Other names: c.934G>C (NM_004656.2); short protein forms G312R.
Identifiers: ClinVar variation 842799 (VCV000842799.9), dbSNP rs1705114996, ClinGen allele CA353106379.

ClinVar aggregate classification (germline): Uncertain significance. Review status: criteria provided, multiple submitters, no conflicts (2 of 4 stars). 2 submissions from 2 submitters: Uncertain significance (2). Last evaluated 2023-09-07.

Conditions:
BAP1-related tumor predisposition syndrome (TPDS1). Also called: BAP1 tumor predisposition syndrome; Tumor susceptibility linked to germline BAP1 mutations; COMMON Syndrome; TUMOR PREDISPOSITION SYNDROME 1. Identifiers: Orphanet 289539, MedGen C3280492, MONDO:0013692, OMIM 614327.
Hereditary cancer-predisposing syndrome. Also called: Hereditary Cancer Syndrome; Hereditary neoplastic syndrome; Tumor predisposition; Neoplastic Syndromes, Hereditary. Identifiers: Orphanet 140162, MedGen C0027672, MeSH D009386, MONDO:0015356.

Submissions (2):

Ambry Genetics
Classification: Uncertain significance for Hereditary cancer-predisposing syndrome. Last evaluated: 2023-09-07. Review status: criteria provided, single submitter. Criteria: Ambry Variant Classification Scheme 2023. Collection method: clinical testing. Allele origin: germline.
Comment: The p.G312R variant (also known as c.934G>C), located in coding exon 11 of the BAP1 gene, results from a G to C substitution at nucleotide position 934. The glycine at codon 312 is replaced by arginine, an amino acid with dissimilar properties. This amino acid position is well conserved in available vertebrate species. In addition, this alteration is predicted to be tolerated by in silico analysis. Since supporting evidence is limited at this time, the clinical significance of this alteration remains unclear.

Labcorp Genetics (formerly Invitae), Labcorp
Classification: Uncertain significance for BAP1-related tumor predisposition syndrome. Last evaluated: 2020-10-16. Review status: criteria provided, single submitter. Criteria: Invitae Variant Classification Sherloc (09022015). Collection method: clinical testing. Allele origin: germline.
Comment: In summary, the available evidence is currently insufficient to determine the role of this variant in disease. Therefore, it has been classified as a Variant of Uncertain Significance. Algorithms developed to predict the effect of missense changes on protein structure and function (SIFT, PolyPhen-2, Align-GVGD) all suggest that this variant is likely to be tolerated, but these predictions have not been confirmed by published functional studies and their clinical significance is uncertain. This variant has not been reported in the literature in individuals with BAP1-related conditions. This variant is not present in population databases (ExAC no frequency). This sequence change replaces glycine with arginine at codon 312 of the BAP1 protein (p.Gly312Arg). The glycine residue is moderately conserved and there is a moderate physicochemical difference between glycine and arginine.